The following is an entry in ClinVar:

ClinVar aggregate classification (germline): Uncertain significance (1 of 4 stars; one submission).

Allele frequency attached by ClinVar (database versions not stated): TOPMed 0.00003.
gnomAD v4.1: 6 of 1,503,180 alleles (0.0004%); highest among the groups gnomAD compares: East Asian, 0.0082%; no homozygotes.

Submission:

Women's Health and Genetics/Laboratory Corporation of America, LabCorp
Classification: Uncertain significance. Last evaluated: 2024-02-02. Review status: criteria provided, single submitter. Criteria: LabCorp Variant Classification Summary - May 2015. Collection method: clinical testing. Allele origin: germline.
Comment: Variant summary: CDK13 c.724C>T (p.Arg242Trp) results in a non-conservative amino acid change in the encoded protein sequence. Three of five in-silico tools predict a damaging effect of the variant on protein function. The variant allele was found at a frequency of 4.4e-06 in 1350910 control chromosomes in gnomAD database (v4.0.0). The available data on variant occurrences in the general population are insufficient to allow any conclusion about variant significance. To our knowledge, no occurrence of c.724C>T in individuals affected with Congenital Heart Defects, Dysmorphic Facial Features, And Intellectual Developmental Disorder and no experimental evidence demonstrating its impact on protein function have been reported. No submitters have cited clinical-significance assessments for this variant to ClinVar. Based on the evidence outlined above, the variant was classified as uncertain significance.

NM_003718.5(CDK13):c.724C>T (p.Arg242Trp)

Gene: CDK13 (cyclin dependent kinase 13; plus strand). Cytogenetic location: 7p14.1.
Variant type: single nucleotide variant.
Coding change: c.724C>T on transcript NM_003718.5 (MANE Select); coding-DNA position 724, C replaced by T.
Protein change: p.Arg242Trp; replaces arginine 242 with tryptophan.
Molecular consequence: missense variant.
Genome position (GRCh38, 1-based): chr7:39,951,365, C>T. VCF-style: chr7-39951365-C-T. GRCh37 (hg19) VCF-style: chr7-39990964-C-T.
Other names: c.724C>T, p.Arg242Trp (NM_031267.4); short protein forms R242W.
Identifiers: ClinVar variation 3069010 (VCV003069010.2), dbSNP rs924125177, ClinGen allele CA157707201.